The following is an entry in ClinVar:

NM_139075.4(TPCN2):c.546+4G>C

Gene: TPCN2 (two pore segment channel 2; plus strand). Cytogenetic location: 11q13.3.
Variant type: single nucleotide variant.
Coding change: c.546+4G>C on transcript NM_139075.4 (MANE Select); 4 bases into the intron after coding-DNA position 546, G replaced by C.
Molecular consequence: intron variant.
Genome position (GRCh38, 1-based): chr11:69,057,698, G>C. VCF-style: chr11-69057698-G-C. GRCh37 (hg19) VCF-style: chr11-68825166-G-C.
Identifiers: ClinVar variation 774695 (VCV000774695.6), dbSNP rs200402849, ClinGen allele CA6154824.

ClinVar aggregate classification (germline): Likely benign. Review status: criteria provided, multiple submitters, no conflicts (2 of 4 stars). 4 submissions from 4 submitters: Likely benign (4). Last evaluated 2025-02-27.

Conditions:
TPCN2-related condition.

Allele frequency attached by ClinVar (database versions not stated): 1000 Genomes Project 0.00060; 1000 Genomes Project 30x 0.00062; gnomAD 0.00141 and 0.00149; ExAC 0.00142; gnomAD exomes 0.00143; ESP Exome Variant Server 0.00146; TOPMed 0.00161.
gnomAD v4.1: 3,582 of 1,613,348 alleles (0.22%); highest among the groups gnomAD compares: Middle Eastern, 0.3%; 8 homozygotes.

Submissions (4):

PreventionGenetics, part of Exact Sciences
Classification: Likely benign for TPCN2-related condition. Last evaluated: 2025-02-27. Review status: criteria provided, single submitter. Criteria: ACMG Guidelines, 2015. Collection method: clinical testing. Allele origin: germline.
Comment: This variant is classified as likely benign based on ACMG/AMP sequence variant interpretation guidelines (Richards et al. 2015 PMID: 25741868, with internal and published modifications).

Blueprint Genetics
Classification: Likely benign. Last evaluated: 2024-11-27. Review status: criteria provided, single submitter. Criteria: ACMG Guidelines, 2015. Collection method: clinical testing. Allele origin: germline.

Labcorp Genetics (formerly Invitae), Labcorp
Classification: Likely benign. Last evaluated: 2018-08-15. Review status: criteria provided, single submitter. Criteria: Invitae Variant Classification Sherloc (09022015). Collection method: clinical testing. Allele origin: germline.

Breakthrough Genomics
Classification: Likely benign. Review status: criteria provided, single submitter. Criteria: ACMG Guidelines, 2015. Collection method: not provided. Allele origin: germline. Inheritance: Unknown mechanism. Affected: yes.